The following is an entry in ClinVar:

NM_000143.4(FH):c.184G>A (p.Val62Met)

Gene: FH (fumarate hydratase; minus strand). Cytogenetic location: 1q43.
Variant type: single nucleotide variant.
Coding change: c.184G>A on transcript NM_000143.4 (MANE Select); coding-DNA position 184, G replaced by A.
Protein change: p.Val62Met; replaces valine 62 with methionine.
Molecular consequence: missense variant.
Genome position (GRCh38, 1-based): chr1:241,517,265, C>T on the plus strand (G>A on the coding strand, the complement: FH is on the minus strand). VCF-style: chr1-241517265-C-T. GRCh37 (hg19) VCF-style: chr1-241680565-C-T.
Other names: short protein forms V62M.
Identifiers: ClinVar variation 1045767 (VCV001045767.12), dbSNP rs199894369, ClinGen allele CA345441902.

ClinVar aggregate classification (germline): Uncertain significance. Review status: criteria provided, multiple submitters, no conflicts (2 of 4 stars). 3 submissions from 3 submitters: Uncertain significance (3). Last evaluated 2025-11-10.

Conditions:
Hereditary cancer-predisposing syndrome. Also called: Hereditary Cancer Syndrome; Tumor predisposition; Hereditary neoplastic syndrome; Neoplastic Syndromes, Hereditary. Identifiers: Orphanet 140162, MedGen C0027672, MeSH D009386, MONDO:0015356.

Allele frequency attached by ClinVar (database versions not stated): TOPMed below 0.00001; gnomAD 0.00001.

Submissions (3):

Labcorp Genetics (formerly Invitae), Labcorp
Classification: Uncertain significance. Last evaluated: 2025-11-10. Review status: criteria provided, single submitter. Criteria: Invitae Variant Classification Sherloc (09022015). Collection method: clinical testing. Allele origin: germline.
Comment: This sequence change replaces valine, which is neutral and non-polar, with methionine, which is neutral and non-polar, at codon 62 of the FH protein (p.Val62Met). This variant is not present in population databases (gnomAD no frequency). This variant has not been reported in the literature in individuals affected with FH-related conditions. ClinVar contains an entry for this variant (Variation ID: 1045767). Invitae Evidence Modeling of protein sequence and biophysical properties (such as structural, functional, and spatial information, amino acid conservation, physicochemical variation, residue mobility, and thermodynamic stability) indicates that this missense variant is expected to disrupt FH protein function with a positive predictive value of 95%. In summary, the available evidence is currently insufficient to determine the role of this variant in disease. Therefore, it has been classified as a Variant of Uncertain Significance.

GeneDx
Classification: Uncertain significance. Last evaluated: 2023-07-27. Review status: criteria provided, single submitter. Criteria: GeneDx Variant Classification Process June 2021. Collection method: clinical testing. Allele origin: germline. Affected: yes.
Comment: Not observed at significant frequency in large population cohorts (gnomAD); In silico analysis supports that this missense variant has a deleterious effect on protein structure/function; Has not been previously published as pathogenic or benign to our knowledge

Ambry Genetics
Classification: Uncertain significance for Hereditary cancer-predisposing syndrome. Last evaluated: 2020-09-30. Review status: criteria provided, single submitter. Criteria: Ambry Variant Classification Scheme 2023. Collection method: clinical testing. Allele origin: germline.
Comment: The p.V62M variant (also known as c.184G>A), located in coding exon 2 of the FH gene, results from a G to A substitution at nucleotide position 184. The valine at codon 62 is replaced by methionine, an amino acid with highly similar properties. This amino acid position is highly conserved in available vertebrate species. In addition, this alteration is predicted to be deleterious by in silico analysis. Since supporting evidence is limited at this time, the clinical significance of this alteration remains unclear.